The following is an entry in ClinVar:

NM_002528.7(NTHL1):c.755A>C (p.Glu252Ala)

Gene: NTHL1 (nth like DNA glycosylase 1; minus strand). Cytogenetic location: 16p13.3.
Variant type: single nucleotide variant.
Coding change: c.755A>C on transcript NM_002528.7 (MANE Select); coding-DNA position 755, A replaced by C.
Protein change: p.Glu252Ala; replaces glutamic acid 252 with alanine.
Molecular consequence: missense variant.
Genome position (GRCh38, 1-based): chr16:2,040,169, T>G on the plus strand (A>C on the coding strand, the complement: NTHL1 is on the minus strand). VCF-style: chr16-2040169-T-G. GRCh37 (hg19) VCF-style: chr16-2090170-T-G.
Other names: c.584A>C, p.Glu195Ala (NM_001318193.2); c.425A>C, p.Glu142Ala (NM_001318194.2); short protein forms E195A, E142A, E252A.
Identifiers: ClinVar variation 960687 (VCV000960687.12), dbSNP rs2084242233, ClinGen allele CA394288876.

ClinVar aggregate classification (germline): Uncertain significance. Review status: criteria provided, multiple submitters, no conflicts (2 of 4 stars). 2 submissions from 2 submitters: Uncertain significance (2). Last evaluated 2025-11-25.

Conditions:
Hereditary cancer-predisposing syndrome. Also called: Tumor predisposition; Hereditary neoplastic syndrome; Neoplastic Syndromes, Hereditary; Hereditary Cancer Syndrome. Identifiers: Orphanet 140162, MedGen C0027672, MeSH D009386, MONDO:0015356.

Allele frequency attached by ClinVar (database versions not stated): TOPMed 0.00001.

Submissions (2):

Labcorp Genetics (formerly Invitae), Labcorp
Classification: Uncertain significance. Last evaluated: 2025-11-25. Review status: criteria provided, single submitter. Criteria: Invitae Variant Classification Sherloc (09022015). Collection method: clinical testing. Allele origin: germline.
Comment: This sequence change replaces glutamic acid, which is acidic and polar, with alanine, which is neutral and non-polar, at codon 260 of the NTHL1 protein (p.Glu260Ala). This variant is not present in population databases (gnomAD no frequency). This variant has not been reported in the literature in individuals affected with NTHL1-related conditions. ClinVar contains an entry for this variant (Variation ID: 960687). An algorithm developed to predict the effect of missense changes on protein structure and function (PolyPhen-2) suggests that this variant is likely to be disruptive. In summary, the available evidence is currently insufficient to determine the role of this variant in disease. Therefore, it has been classified as a Variant of Uncertain Significance.

Ambry Genetics
Classification: Uncertain significance for Hereditary cancer-predisposing syndrome. Last evaluated: 2025-01-18. Review status: criteria provided, single submitter. Criteria: Ambry Variant Classification Scheme 2023. Collection method: clinical testing. Allele origin: germline.